The following is an entry in ClinVar:

NM_181332.3(NLGN4X):c.1546G>A (p.Asp516Asn)

Gene: NLGN4X (neuroligin 4 X-linked; minus strand). Cytogenetic location: Xp22.32.
Variant type: single nucleotide variant.
Coding change: c.1546G>A on transcript NM_181332.3 (MANE Select); coding-DNA position 1546, G replaced by A.
Protein change: p.Asp516Asn; replaces aspartic acid 516 with asparagine.
Molecular consequence: missense variant.
Genome position (GRCh38, 1-based): chrX:5,903,132, C>T on the plus strand (G>A on the coding strand, the complement: NLGN4X is on the minus strand). VCF-style: chrX-5903132-C-T. GRCh37 (hg19) VCF-style: chrX-5821173-C-T.
Other names: c.1546G>A, p.Asp516Asn (NM_001282145.2, NM_001282146.2, NM_001441322.1 and 4 more transcripts); short protein forms D516N.
Identifiers: ClinVar variation 4888066 (VCV004888066.1).

ClinVar aggregate classification (germline): Uncertain significance (1 of 4 stars; one submission).

gnomAD v4.1: 1 of 1,211,866 alleles (0.000083%); highest among the groups gnomAD compares: South Asian, 0.0018%; no homozygotes.

Submission:

GeneDx
Classification: Uncertain significance. Last evaluated: 2026-02-08. Review status: criteria provided, single submitter. Criteria: GeneDx Variant Classification Process June 2021. Collection method: clinical testing. Allele origin: germline.
Comment: Not observed at significant frequency in large population cohorts (gnomAD); In silico analysis supports that this missense variant has a deleterious effect on protein structure/function; Has not been previously published as pathogenic or benign to our knowledge